The following is an entry in ClinVar:

ClinVar aggregate classification (germline): Likely benign. Review status: criteria provided, multiple submitters, no conflicts (2 of 4 stars). 4 submissions from 4 submitters: Likely benign (3). 1 of the submissions does not count toward it. Last evaluated 2026-01-28.

Conditions:
Hereditary insensitivity to pain with anhidrosis (CIPA). Also called: NEUROPATHY, CONGENITAL SENSORY, WITH ANHIDROSIS; INSENSITIVITY TO PAIN, CONGENITAL, WITH ANHIDROSIS; HSAN Type IV; FAMILIAL DYSAUTONOMIA, TYPE II; NTRK1 Congenital Insensitivity to Pain with Anhidrosis; hereditary sensory and autonomic neuropathy type 4. Identifiers: Orphanet 642, MedGen C0020074, MONDO:0009746, OMIM 256800.
NTRK1-related disorder. Also called: NTRK1-related condition.

Allele frequency attached by ClinVar (database versions not stated): TOPMed 0.00015; gnomAD 0.00018 and 0.00019; ExAC 0.00027; ESP Exome Variant Server 0.00031; 1000 Genomes Project 30x 0.00078; 1000 Genomes Project 0.00100.
gnomAD v4.1: 201 of 1,613,648 alleles (0.012%); highest among the groups gnomAD compares: South Asian, 0.089%; no homozygotes.

Submissions (4):

Labcorp Genetics (formerly Invitae), Labcorp
Classification: Likely benign for Hereditary insensitivity to pain with anhidrosis. Last evaluated: 2026-01-28. Review status: criteria provided, single submitter. Criteria: Invitae Variant Classification Sherloc (09022015). Collection method: clinical testing. Allele origin: germline.

PreventionGenetics, part of Exact Sciences
Classification: Likely benign for NTRK1-related condition. Last evaluated: 2025-10-27. Review status: criteria provided, single submitter. Criteria: ACMG Guidelines, 2015. Collection method: clinical testing. Allele origin: germline.
Comment: This variant is classified as likely benign based on ACMG/AMP sequence variant interpretation guidelines (Richards et al. 2015 PMID: 25741868, with internal and published modifications).

Blueprint Genetics
Classification: Likely benign. Last evaluated: 2024-08-06. Review status: criteria provided, single submitter. Criteria: ACMG Guidelines, 2015. Collection method: clinical testing. Allele origin: germline.

Natera, Inc.
Classification: Uncertain significance for Hereditary insensitivity to pain with anhidrosis. Last evaluated: 2020-04-17. Review status: no assertion criteria provided. Collection method: clinical testing. Allele origin: germline. Not counted in ClinVar's aggregate classification.

NM_002529.4(NTRK1):c.504C>T (p.Gly168=)

Gene: NTRK1 (neurotrophic receptor tyrosine kinase 1; plus strand). Cytogenetic location: 1q23.1.
Variant type: single nucleotide variant.
Coding change: c.504C>T on transcript NM_002529.4 (MANE Select); coding-DNA position 504, C replaced by T.
Protein change: p.Gly168=; no amino-acid change (glycine 168 retained).
Molecular consequence: synonymous variant.
Genome position (GRCh38, 1-based): chr1:156,868,179, C>T. VCF-style: chr1-156868179-C-T. GRCh37 (hg19) VCF-style: chr1-156837971-C-T.
Other names: c.414C>T, p.Gly138= (NM_001007792.1); c.504C>T, p.Gly168= (NM_001012331.2); c.504C>T (NM_002529.3).
Identifiers: ClinVar variation 784764 (VCV000784764.14), dbSNP rs144594313, ClinGen allele CA1169002.